The following is an entry in ClinVar:

NM_001680.5(FXYD2):c.*1C>T

Genes: FXYD2 (FXYD domain containing ion transport regulator 2; minus strand), FXYD6-FXYD2 (FXYD6-FXYD2 readthrough; minus strand). Cytogenetic location: 11q23.3.
Variant type: single nucleotide variant.
Coding change: c.*1C>T on transcript NM_001680.5 (MANE Select); 1 bases downstream of the stop codon, C replaced by T.
Molecular consequence: 3 prime UTR variant.
Genome position (GRCh38, 1-based): chr11:117,820,671, G>A on the plus strand (C>T on the coding strand, the complement: FXYD2 is on the minus strand). VCF-style: chr11-117820671-G-A. GRCh37 (hg19) VCF-style: chr11-117691386-G-A.
Other names: c.*1C>T (NM_001204268.3, NM_021603.4); c.*35C>T (NM_001243598.4).
Identifiers: ClinVar variation 302521 (VCV000302521.10), dbSNP rs869789, ClinGen allele CA6297742.

ClinVar aggregate classification (germline): Benign/Likely benign. Review status: criteria provided, multiple submitters, no conflicts (2 of 4 stars). 5 submissions from 5 submitters: Benign (4); Likely benign (1). Last evaluated 2024-11-27.

Conditions:
Renal hypomagnesemia 2 (HOMG2). Also called: MAGNESIUM LOSS, ISOLATED RENAL. Identifiers: Orphanet 34528, MedGen C1835171, MONDO:0007937, OMIM 154020.

Allele frequency attached by ClinVar (database versions not stated): 1000 Genomes Project 30x 0.11508; 1000 Genomes Project 0.11741; ESP Exome Variant Server 0.12044; gnomAD 0.13143; ExAC 0.13185; TOPMed 0.13584; gnomAD exomes 0.13874.
gnomAD v4.1: 220,035 of 1,613,726 alleles (14%); highest among the groups gnomAD compares: East Asian, 21%; 15,993 homozygotes.

Submissions (5):

Blueprint Genetics
Classification: Likely benign. Last evaluated: 2024-11-27. Review status: criteria provided, single submitter. Criteria: ACMG Guidelines, 2015. Collection method: clinical testing. Allele origin: germline.

Mayo Clinic Laboratories, Mayo Clinic
Classification: Benign. Last evaluated: 2022-03-09. Review status: criteria provided, single submitter. Criteria: ACMG Guidelines, 2015. Collection method: clinical testing. Allele origin: germline. Observed: 114 variant alleles.

GeneDx
Classification: Benign. Last evaluated: 2019-11-26. Review status: criteria provided, single submitter. Criteria: GeneDx Variant Classification Process June 2021. Collection method: clinical testing. Allele origin: germline. Affected: yes.

Illumina Laboratory Services, Illumina
Classification: Benign for Renal hypomagnesemia 2. Last evaluated: 2018-01-13. Review status: criteria provided, single submitter. Criteria: ICSL Variant Classification Criteria 13 December 2019. Collection method: clinical testing. Allele origin: germline.
Comment: This variant was observed in the ICSL laboratory as part of a predisposition screen in an ostensibly healthy population. It had not been previously curated by ICSL or reported in the Human Gene Mutation Database (HGMD: prior to June 1st, 2018), and was therefore a candidate for classification through an automated scoring system. Utilizing variant allele frequency, disease prevalence and penetrance estimates, and inheritance mode, an automated score was calculated to assess if this variant is too frequent to cause the disease. Based on the score and internal cut-off values, a variant classified as benign is not then subjected to further curation. The score for this variant resulted in a classification of benign for this disease.

Breakthrough Genomics
Classification: Benign. Review status: criteria provided, single submitter. Criteria: ACMG Guidelines, 2015. Collection method: not provided. Allele origin: germline. Inheritance: Autosomal dominant inheritance. Affected: yes.